The following is an entry in ClinVar:

NM_017837.4(PIGV):c.700C>G (p.Leu234Val)

Gene: PIGV (phosphatidylinositol glycan anchor biosynthesis class V; plus strand). Cytogenetic location: 1p36.11.
Variant type: single nucleotide variant.
Coding change: c.700C>G on transcript NM_017837.4 (MANE Select); coding-DNA position 700, C replaced by G.
Protein change: p.Leu234Val; replaces leucine 234 with valine.
Molecular consequence: missense variant. On other transcripts: non-coding transcript variant (1), intron variant (3).
Genome position (GRCh38, 1-based): chr1:26,794,734, C>G. VCF-style: chr1-26794734-C-G. GRCh37 (hg19) VCF-style: chr1-27121225-C-G.
Other names: c.700C>G, p.Leu234Val (NM_001202554.2, NM_001374478.1, NM_001374480.1 and 2 more transcripts); c.319C>G, p.Leu107Val (NM_001374483.1); c.173-100C>G (NM_001374484.1, NM_001374485.1); c.79-2829C>G (NM_001374486.1); c.700C>G (NM_017837.3); short protein forms L107V, L234V.
Identifiers: ClinVar variation 2191780 (VCV002191780.3), dbSNP rs2522171821, ClinGen allele CA339200343.
Genomic context (GRCh38, chr1:26,794,734, plus strand): 5'-ATGCATTCTCAATGCCAAGGCTTTTTCTCTTCTCTAACGATGCTGAATCCTCTGAGACAG[C>G]TCTTTAAGCTGATGGCCTCTCTGTTTCTGTCGGTGTTCACACTTGGCCTTCCCTTTGCCC-3'
Protein context (NP_060307.2, residues 224-244): SLTMLNPLRQ[Leu234Val]FKLMASLFLS

ClinVar aggregate classification (germline): Uncertain significance. Review status: criteria provided, multiple submitters, no conflicts (2 of 4 stars). 2 submissions from 2 submitters: Uncertain significance (2). Last evaluated 2023-02-15.

Conditions:
Inborn genetic diseases. Identifiers: MedGen C0950123, MeSH D030342.

Submissions (2):

Ambry Genetics
Classification: Uncertain significance for Inborn genetic diseases. Last evaluated: 2023-02-15. Review status: criteria provided, single submitter. Criteria: Ambry Variant Classification Scheme 2023. Collection method: clinical testing. Allele origin: germline.

Labcorp Genetics (formerly Invitae), Labcorp
Classification: Uncertain significance. Last evaluated: 2022-04-23. Review status: criteria provided, single submitter. Criteria: Invitae Variant Classification Sherloc (09022015). Collection method: clinical testing. Allele origin: germline.
Comment: This sequence change replaces leucine, which is neutral and non-polar, with valine, which is neutral and non-polar, at codon 234 of the PIGV protein (p.Leu234Val). This variant is not present in population databases (gnomAD no frequency). This variant has not been reported in the literature in individuals affected with PIGV-related conditions. Algorithms developed to predict the effect of missense changes on protein structure and function (SIFT, PolyPhen-2, Align-GVGD) all suggest that this variant is likely to be tolerated. In summary, the available evidence is currently insufficient to determine the role of this variant in disease. Therefore, it has been classified as a Variant of Uncertain Significance.